The following is an entry in ClinVar:

ClinVar aggregate classification (germline): Benign/Likely benign. Review status: criteria provided, multiple submitters, no conflicts (2 of 4 stars). 7 submissions from 7 submitters: Benign (1); Likely benign (5). 1 of the submissions does not count toward it. Last evaluated 2025-04-30.

Conditions:
PALB2-related disorder. Also called: PALB2-related condition; PALB2-related disorders.
Hereditary cancer-predisposing syndrome. Also called: Neoplastic Syndromes, Hereditary; Hereditary neoplastic syndrome; Tumor predisposition; Hereditary Cancer Syndrome. Identifiers: Orphanet 140162, MedGen C0027672, MeSH D009386, MONDO:0015356.
Familial cancer of breast. Also called: Hereditary breast cancer; BREAST CANCER, FAMILIAL; hereditary breast carcinoma. Identifiers: Orphanet 227535, MedGen C0346153, MONDO:0016419, OMIM 114480. Disease mechanism: loss of function.

Allele frequency attached by ClinVar (database versions not stated): gnomAD exomes below 0.00001.
gnomAD v4.1: 4 of 1,613,304 alleles (0.00025%); highest among the groups gnomAD compares: Non-Finnish European, 0.00034%; no homozygotes.

Submissions (7):

Labcorp Genetics (formerly Invitae), Labcorp
Classification: Likely benign for Familial cancer of breast. Last evaluated: 2025-04-30. Review status: criteria provided, single submitter. Criteria: Invitae Variant Classification Sherloc (09022015). Collection method: clinical testing. Allele origin: germline.

Myriad Genetics, Inc.
Classification: Benign for Familial cancer of breast. Last evaluated: 2025-01-10. Review status: criteria provided, single submitter. Criteria: Myriad Autosomal Dominant, Autosomal Recessive and X-Linked Classification Criteria (2023). Collection method: clinical testing. Allele origin: unknown.
Comment: This variant is considered benign. This variant is a silent/synonymous amino acid change and it is not expected to impact splicing.

CeGaT Center for Human Genetics Tuebingen
Classification: Likely benign. Last evaluated: 2021-08-01. Review status: criteria provided, single submitter. Criteria: CeGaT Center For Human Genetics Tuebingen Variant Classification Criteria Version 2. Collection method: clinical testing. Allele origin: germline. Affected: yes. Observed: 1 variant allele.

Color Diagnostics, LLC DBA Color Health
Classification: Likely benign for Hereditary cancer-predisposing syndrome. Last evaluated: 2019-07-08. Review status: criteria provided, single submitter. Criteria: ACMG Guidelines, 2015. Collection method: clinical testing. Allele origin: germline.

Ambry Genetics
Classification: Likely benign for Hereditary cancer-predisposing syndrome. Last evaluated: 2018-06-18. Review status: criteria provided, single submitter. Criteria: Ambry Variant Classification Scheme 2023. Collection method: clinical testing. Allele origin: germline.

GeneDx
Classification: Likely benign. Last evaluated: 2016-09-14. Review status: criteria provided, single submitter. Criteria: GeneDx Variant Classification (06012015). Collection method: clinical testing. Allele origin: germline. Affected: yes.
Comment: This variant is considered likely benign or benign based on one or more of the following criteria: it is a conservative change, it occurs at a poorly conserved position in the protein, it is predicted to be benign by multiple in silico algorithms, and/or has population frequency not consistent with disease.

PreventionGenetics, part of Exact Sciences
Classification: Likely benign for PALB2-related condition. Last evaluated: 2019-03-20. Review status: no assertion criteria provided. Collection method: clinical testing. Allele origin: germline. Not counted in ClinVar's aggregate classification.
Comment: This variant is classified as likely benign based on ACMG/AMP sequence variant interpretation guidelines (Richards et al. 2015 PMID: 25741868, with internal and published modifications).

NM_024675.4(PALB2):c.249C>T (p.His83=)

Gene: PALB2 (partner and localizer of BRCA2; minus strand). Cytogenetic location: 16p12.2.
Variant type: single nucleotide variant.
Coding change: c.249C>T on transcript NM_024675.4 (MANE Select); coding-DNA position 249, C replaced by T.
Protein change: p.His83=; no amino-acid change (histidine 83 retained).
Molecular consequence: synonymous variant.
Genome position (GRCh38, 1-based): chr16:23,636,297, G>A on the plus strand (C>T on the coding strand, the complement: PALB2 is on the minus strand). VCF-style: chr16-23636297-G-A. GRCh37 (hg19) VCF-style: chr16-23647618-G-A.
Identifiers: ClinVar variation 389287 (VCV000389287.53), dbSNP rs1057523390, ClinGen allele CA16607003.
Genomic context (GRCh38, chr16:23,636,297, plus strand): 5'-CCCAACATCAAGTGTGATAGATGTCTTTTCTCCAGTTTCTTCATCAAGATGGGTTTTGAT[G>A]TGTAACTTGTCATAAACACATATTTTATTTTTAGGTTCTGAGGAGGAAAAAAATGTATAT-3'
Protein context (NP_078951.2, residues 73-93): KNKICVYDKL[His83=]IKTHLDEETG